The following is an entry in ClinVar:

NM_001613.4(ACTA2):c.139G>A (p.Val47Met)

Gene: ACTA2 (actin alpha 2, smooth muscle; minus strand). Cytogenetic location: 10q23.31.
Variant type: single nucleotide variant.
Coding change: c.139G>A on transcript NM_001613.4 (MANE Select); coding-DNA position 139, G replaced by A.
Protein change: p.Val47Met; replaces valine 47 with methionine.
Molecular consequence: missense variant.
Genome position (GRCh38, 1-based): chr10:88,947,377, C>T on the plus strand (G>A on the coding strand, the complement: ACTA2 is on the minus strand). VCF-style: chr10-88947377-C-T. GRCh37 (hg19) VCF-style: chr10-90707134-C-T.
Other names: c.139G>A, p.Val47Met (NM_001141945.3, NM_001320855.2, NM_001406462.1 and 4 more transcripts); short protein forms V47M.
Identifiers: ClinVar variation 591207 (VCV000591207.11), dbSNP rs1181233032, ClinGen allele CA377513545.

ClinVar aggregate classification (germline): Uncertain significance. Review status: criteria provided, multiple submitters, no conflicts (2 of 4 stars). 4 submissions from 4 submitters: Uncertain significance (3). 1 of the submissions does not count toward it. Last evaluated 2023-11-20.

Conditions:
Familial thoracic aortic aneurysm and aortic dissection (TAAD). Also called: Thoracic aortic aneurysms and dissections. Identifiers: Orphanet 91387, MedGen C4707243, MONDO:0019625.
Aortic aneurysm, familial thoracic 6 (AAT6). Also called: FAMILIAL THORACIC AORTIC ANEURYSM WITH LIVEDO RETICULARIS AND IRIS FLOCCULI. Identifiers: MedGen C2673186, MONDO:0012730, OMIM 611788.

gnomAD v4.1: 1 of 1,613,968 alleles (0.000062%); highest among the groups gnomAD compares: Admixed American, 0.0017%; no homozygotes.

Submissions (4):

All of Us Research Program, National Institutes of Health
Classification: Uncertain significance for Familial thoracic aortic aneurysm and aortic dissection. Last evaluated: 2023-11-20. Review status: criteria provided, single submitter. Criteria: ACMG Guidelines, 2015. Collection method: clinical testing. Allele origin: germline. Inheritance: Autosomal dominant inheritance. Observed: 1 variant allele, 1 heterozygote.
Comment: This missense variant replaces valine with methionine at codon 47 of the ACTA2 protein. Computational prediction suggests that this variant may have a deleterious impact on protein structure and function (internally defined REVEL score threshold >= 0.7, PMID: 27666373). To our knowledge, functional studies have not been reported for this variant. This variant has not been reported in individuals affected with ACTA2-related disorders in the literature. This variant has not been identified in the general population by the Genome Aggregation Database (gnomAD). The available evidence is insufficient to determine the role of this variant in disease conclusively. Therefore, this variant is classified as a Variant of Uncertain Significance.

This study involves interpretation of variants in research participants for the purpose of population health screening. Participant phenotype was not available at the time of variant classification. Additional details can be found in publication PMID: 35346344, PMCID: PMC8962531

Labcorp Genetics (formerly Invitae), Labcorp
Classification: Uncertain significance for Aortic aneurysm, familial thoracic 6. Last evaluated: 2023-10-03. Review status: criteria provided, single submitter. Criteria: Invitae Variant Classification Sherloc (09022015). Collection method: clinical testing. Allele origin: germline.
Comment: This sequence change replaces valine, which is neutral and non-polar, with methionine, which is neutral and non-polar, at codon 47 of the ACTA2 protein (p.Val47Met). This variant is not present in population databases (gnomAD no frequency). This variant has not been reported in the literature in individuals affected with ACTA2-related conditions. ClinVar contains an entry for this variant (Variation ID: 591207). Advanced modeling of protein sequence and biophysical properties (such as structural, functional, and spatial information, amino acid conservation, physicochemical variation, residue mobility, and thermodynamic stability) performed at Invitae indicates that this missense variant is expected to disrupt ACTA2 protein function. In summary, the available evidence is currently insufficient to determine the role of this variant in disease. Therefore, it has been classified as a Variant of Uncertain Significance.

Women's Health and Genetics/Laboratory Corporation of America, LabCorp
Classification: Uncertain significance. Last evaluated: 2021-04-08. Review status: criteria provided, single submitter. Criteria: LabCorp Variant Classification Summary - May 2015. Collection method: clinical testing. Allele origin: germline.
Comment: Variant summary: ACTA2 c.139G>A (p.Val47Met) results in a conservative amino acid change in the encoded protein sequence. Three of five in-silico tools predict a damaging effect of the variant on protein function. The variant was absent in 251114 control chromosomes. The available data on variant occurrences in the general population are insufficient to allow any conclusion about variant significance. To our knowledge, no occurrence of c.139G>A in individuals affected with Thoracic Aortic Aneurysms And Dissections and no experimental evidence demonstrating its impact on protein function have been reported. Two clinical diagnostic laboratories have submitted clinical-significance assessments for this variant to ClinVar after 2014 without evidence for independent evaluation. All laboratories classified the variant as uncertain significance. Based on the evidence outlined above, the variant was classified as uncertain significance.

Gharavi Laboratory, Columbia University
Classification: Uncertain significance. Last evaluated: 2018-09-16. Review status: no assertion criteria provided. Criteria: ACMG Guidelines, 2015. Collection method: research. Allele origin: germline. Affected: yes. Not counted in ClinVar's aggregate classification.